The following is an entry in ClinVar:

NM_004656.4(BAP1):c.1283C>T (p.Ala428Val)

Gene: BAP1 (BRCA1 associated deubiquitinase 1; minus strand). Cytogenetic location: 3p21.1.
Variant type: single nucleotide variant.
Coding change: c.1283C>T on transcript NM_004656.4 (MANE Select); coding-DNA position 1283, C replaced by T.
Protein change: p.Ala428Val; replaces alanine 428 with valine.
Molecular consequence: missense variant.
Genome position (GRCh38, 1-based): chr3:52,403,862, G>A on the plus strand (C>T on the coding strand, the complement: BAP1 is on the minus strand). VCF-style: chr3-52403862-G-A. GRCh37 (hg19) VCF-style: chr3-52437878-G-A.
Other names: c.1229C>T, p.Ala410Val (NM_001410772.1); short protein forms A410V, A428V.
Identifiers: ClinVar variation 3720106 (VCV003720106.2).
Genomic context (GRCh38, chr3:52,403,862, plus strand): 5'-AAGACGTTGATGGTGTTGGGCTGCAGCACTGACAGTTGCCCATCAGCAGAACCGCTCAAT[G>A]CCCCTGGCTTCCCTGTTCCCTTCCCCTTATACCTGTGGGGCCCGAGAAGATGTGAAGCAA-3'
Protein context (NP_004647.1, residues 418-438): YKGKGTGKPG[Ala428Val]LSGSADGQLS

ClinVar aggregate classification (germline): Uncertain significance (1 of 4 stars; one submission).

Conditions:
BAP1-related tumor predisposition syndrome (TPDS1). Also called: COMMON Syndrome; TUMOR PREDISPOSITION SYNDROME 1; Tumor susceptibility linked to germline BAP1 mutations; BAP1 tumor predisposition syndrome. Identifiers: Orphanet 289539, MedGen C3280492, MONDO:0013692, OMIM 614327.

Submission:

Labcorp Genetics (formerly Invitae), Labcorp
Classification: Uncertain significance for BAP1-related tumor predisposition syndrome. Last evaluated: 2025-01-05. Review status: criteria provided, single submitter. Criteria: Invitae Variant Classification Sherloc (09022015). Collection method: clinical testing. Allele origin: germline.
Comment: This sequence change replaces alanine, which is neutral and non-polar, with valine, which is neutral and non-polar, at codon 428 of the BAP1 protein (p.Ala428Val). This variant is not present in population databases (gnomAD no frequency). This variant has not been reported in the literature in individuals affected with BAP1-related conditions. Invitae Evidence Modeling of protein sequence and biophysical properties (such as structural, functional, and spatial information, amino acid conservation, physicochemical variation, residue mobility, and thermodynamic stability) indicates that this missense variant is not expected to disrupt BAP1 protein function with a negative predictive value of 80%. In summary, the available evidence is currently insufficient to determine the role of this variant in disease. Therefore, it has been classified as a Variant of Uncertain Significance.